The following is an entry in ClinVar:

ClinVar aggregate classification (germline): Benign. Review status: reviewed by expert panel (3 of 4 stars). 8 submissions from 8 submitters: Benign (1). 7 of the submissions do not count toward it. Last evaluated 2025-02-11.

Conditions:
GP1BB-related disorder. Also called: GP1BB-related condition.
Bernard Soulier syndrome (BSS). Also called: Platelet Glycoprotein 1b, Deficiency of; GLYCOPROTEIN Ib, PLATELET, DEFICIENCY OF; PLATELET GLYCOPROTEIN Ib DEFICIENCY; VON WILLEBRAND FACTOR RECEPTOR DEFICIENCY; Giant platelet syndrome; Hemorrhagiparous thrombocytic dystrophy. Identifiers: Orphanet 274, MedGen C0005129, MeSH D001606, MONDO:0009276, OMIM 231200.

Allele frequency attached by ClinVar (database versions not stated): ExAC below 0.00001; 1000 Genomes Project 0.00020; 1000 Genomes Project 30x 0.00047; gnomAD 0.00258 and 0.00302; TOPMed 0.00297; gnomAD exomes 0.00388.

Submissions (8):

ClinGen Platelet Disorders Variant Curation Expert Panel, ClinGen
Classification: Benign for Bernard Soulier syndrome. Last evaluated: 2025-02-11. Review status: reviewed by expert panel. Criteria: ClinGen Platelet ACMG Specifications GP1BB V1.0.0. Collection method: curation. Allele origin: germline. Inheritance: Autosomal recessive inheritance.
Comment: The c.389C>T variant in GP1BB is a missense variant predicted to cause substitution of Proline by Leucine at amino acid 130 (p.Pro130Leu). The Grpmax Filtering allele frequency in gnomAD v4.1 is 0.004627 (based on 4703/992006 alleles) in the European (non-Finnish) population, which is higher than the ClinGen PD VCEP threshold (>0.001), and therefore meets this criterion (BA1). The computational predictor REVEL gives a score of 0.092, which is below the ClinGen PD VCEP threshold of <0.290 and predicts no damaging effect on GP1BB function and SpliceAI predicts no effect on splicing (delta scores 0.00) (BP4). In summary, this variant meets the criteria to be classified as Benign for autosomal recessive Bernard-Soulier syndrome based on the ACMG/AMP criteria applied, as specified by the ClinGen PD VCEP: BA1 and BP4.

CeGaT Center for Human Genetics Tuebingen
Classification: Likely benign. Last evaluated: 2026-08-01. Review status: criteria provided, single submitter. Criteria: CeGaT Center For Human Genetics Tuebingen Variant Classification Criteria Version 2. Collection method: clinical testing. Allele origin: germline. Affected: yes. Observed: 4 variant alleles. Not counted in ClinVar's aggregate classification.
Comment: GP1BB: BP4

Blueprint Genetics
Classification: Likely benign. Last evaluated: 2024-11-25. Review status: criteria provided, single submitter. Criteria: ACMG Guidelines, 2015. Collection method: clinical testing. Allele origin: germline. Not counted in ClinVar's aggregate classification.

Mayo Clinic Laboratories, Mayo Clinic
Classification: Likely benign. Last evaluated: 2024-07-02. Review status: criteria provided, single submitter. Criteria: ACMG Guidelines, 2015. Collection method: clinical testing. Allele origin: germline. Observed: 4 variant alleles. Not counted in ClinVar's aggregate classification.
Comment: BS1, BP4, PM1_supporting

Women's Health and Genetics/Laboratory Corporation of America, LabCorp
Classification: Likely benign. Last evaluated: 2024-01-10. Review status: criteria provided, single submitter. Criteria: LabCorp Variant Classification Summary - May 2015. Collection method: clinical testing. Allele origin: germline. Not counted in ClinVar's aggregate classification.
Comment: Variant summary: GP1BB c.389C>T (p.Pro130Leu) results in a non-conservative amino acid change located in the Cysteine-rich flanking region, C-terminal domain (IPR000483) of the encoded protein sequence. Three of five in-silico tools predict a benign effect of the variant on protein function. The variant allele was found at a frequency of 0.0041 in 1233342 control chromosomes in the gnomAD (v4.0.0) database, including 6 homozygotes. The available data on variant occurrences in the general population are insufficient to allow any conclusion about variant significance, although are not suggestive of a highly penetrant variant associated with disease. c.389C>T has been reported in the literature in a family affected with inherited thrombocytopenia, however authors reported the variant in healthy relatives and classified it as benign (e.g., Marconi_2023). These report suggests the variant may represent a benign polymorphism. To our knowledge, no experimental evidence demonstrating an impact on protein function has been reported. The following publication was ascertained in the context of this evaluation (PMID: 36519321). ClinVar contains an entry for this variant (Variation ID: 771784). Based on the evidence outlined above, the variant was classified as likely benign.

Revvity Omics, Revvity
Classification: Uncertain significance for Bernard Soulier syndrome. Last evaluated: 2022-09-28. Review status: criteria provided, single submitter. Criteria: ACMG Guidelines, 2015. Collection method: clinical testing. Allele origin: germline. Not counted in ClinVar's aggregate classification.

Labcorp Genetics (formerly Invitae), Labcorp
Classification: Benign. Last evaluated: 2019-12-31. Review status: criteria provided, single submitter. Criteria: Invitae Variant Classification Sherloc (09022015). Collection method: clinical testing. Allele origin: germline. Not counted in ClinVar's aggregate classification.

PreventionGenetics, part of Exact Sciences
Classification: Likely benign for GP1BB-related condition. Last evaluated: 2021-12-02. Review status: no assertion criteria provided. Collection method: clinical testing. Allele origin: germline. Not counted in ClinVar's aggregate classification.
Comment: This variant is classified as likely benign based on ACMG/AMP sequence variant interpretation guidelines (Richards et al. 2015 PMID: 25741868, with internal and published modifications).

Literature cited by the submitters: PubMed 38923496 (cited by Mayo Clinic Laboratories, Mayo Clinic); PubMed 36519321 (cited by Women's Health and Genetics/Laboratory Corporation of America, LabCorp).

NM_000407.5(GP1BB):c.389C>T (p.Pro130Leu)

Genes: GP1BB (glycoprotein Ib platelet subunit beta; plus strand), SEPT5-GP1BB (SEPT5-GP1BB readthrough; plus strand). Cytogenetic location: 22q11.21.
Variant type: single nucleotide variant.
Coding change: c.389C>T on transcript NM_000407.5 (MANE Select); coding-DNA position 389, C replaced by T.
Protein change: p.Pro130Leu; replaces proline 130 with leucine.
Molecular consequence: missense variant. On other transcripts: non-coding transcript variant (2).
Genome position (GRCh38, 1-based): chr22:19,724,232, C>T. VCF-style: chr22-19724232-C-T. GRCh37 (hg19) VCF-style: chr22-19711755-C-T.
Other names: NM_000407.5(GP1BB):c.389C>T; p.Pro130Leu; short protein forms P130L.
Identifiers: ClinVar variation 771784 (VCV000771784.36), dbSNP rs547921381, ClinGen allele CA10102341.